The following is an entry in ClinVar:

ClinVar aggregate classification (germline): Uncertain significance (1 of 4 stars; one submission).

Conditions:
Hereditary cancer-predisposing syndrome. Also called: Hereditary Cancer Syndrome; Hereditary neoplastic syndrome; Neoplastic Syndromes, Hereditary; Tumor predisposition. Identifiers: Orphanet 140162, MedGen C0027672, MeSH D009386, MONDO:0015356.

Submission:

Ambry Genetics
Classification: Uncertain significance for Hereditary cancer-predisposing syndrome. Last evaluated: 2022-01-03. Review status: criteria provided, single submitter. Criteria: Ambry Variant Classification Scheme 2023. Collection method: clinical testing. Allele origin: germline.
Comment: The p.Q147H variant (also known as c.441A>T), located in coding exon 1 of the CDKN1B gene, results from an A to T substitution at nucleotide position 441. The glutamine at codon 147 is replaced by histidine, an amino acid with highly similar properties. This amino acid position is conserved. In addition, this alteration is predicted to be tolerated by in silico analysis. Since supporting evidence is limited at this time, the clinical significance of this alteration remains unclear.

NM_004064.5(CDKN1B):c.441A>T (p.Gln147His)

Gene: CDKN1B (cyclin dependent kinase inhibitor 1B; plus strand). Cytogenetic location: 12p13.1.
Variant type: single nucleotide variant.
Coding change: c.441A>T on transcript NM_004064.5 (MANE Select); coding-DNA position 441, A replaced by T.
Protein change: p.Gln147His; replaces glutamine 147 with histidine.
Molecular consequence: missense variant.
Genome position (GRCh38, 1-based): chr12:12,718,280, A>T. VCF-style: chr12-12718280-A-T. GRCh37 (hg19) VCF-style: chr12-12871214-A-T.
Other names: short protein forms Q147H.
Identifiers: ClinVar variation 1740452 (VCV001740452.2), dbSNP rs1244947949, ClinGen allele CA383970802.